The following is an entry in ClinVar:

NM_001387430.1(SH2B1):c.456C>T (p.Arg152=)

Gene: SH2B1 (SH2B adaptor protein 1; plus strand). Cytogenetic location: 16p11.2.
Variant type: single nucleotide variant.
Coding change: c.456C>T on transcript NM_001387430.1 (MANE Select); coding-DNA position 456, C replaced by T.
Protein change: p.Arg152=; no amino-acid change (arginine 152 retained).
Molecular consequence: synonymous variant. On other transcripts: intron variant (1).
Genome position (GRCh38, 1-based): chr16:28,866,550, C>T. VCF-style: chr16-28866550-C-T. GRCh37 (hg19) VCF-style: chr16-28877871-C-T.
Other names: c.456C>T, p.Arg152= (NM_001145795.2, NM_001145796.2, NM_001145797.2 and 4 more transcripts); c.-26-824C>T (NM_001308294.2).
Identifiers: ClinVar variation 4994107 (VCV004994107.1).

ClinVar aggregate classification (germline): Likely benign (1 of 4 stars; one submission).

Conditions:
SH2B1-related disorder. Also called: SH2B1-related condition.

Submission:

PreventionGenetics, part of Exact Sciences
Classification: Likely benign for SH2B1-related condition. Last evaluated: 2025-12-09. Review status: criteria provided, single submitter. Criteria: ACMG Guidelines, 2015. Collection method: clinical testing. Allele origin: germline.
Comment: This variant is classified as likely benign based on ACMG/AMP sequence variant interpretation guidelines (Richards et al. 2015 PMID: 25741868, with internal and published modifications).